The following is an entry in ClinVar:

ClinVar aggregate classification (germline): Uncertain significance. Review status: criteria provided, multiple submitters, no conflicts (2 of 4 stars). 3 submissions from 3 submitters: Uncertain significance (3). Last evaluated 2026-07-02.

Conditions:
Hereditary nonpolyposis colorectal neoplasms. Identifiers: MedGen C0009405, MeSH D003123.
Hereditary cancer-predisposing syndrome. Also called: Hereditary Cancer Syndrome; Tumor predisposition; Hereditary neoplastic syndrome; Neoplastic Syndromes, Hereditary. Identifiers: Orphanet 140162, MedGen C0027672, MeSH D009386, MONDO:0015356.

gnomAD v4.1: 1 of 1,614,160 alleles (0.000062%); highest among the groups gnomAD compares: Non-Finnish European, 0.000085%; no homozygotes.

Submissions (3):

Ambry Genetics
Classification: Uncertain significance for Hereditary cancer-predisposing syndrome. Last evaluated: 2026-07-02. Review status: criteria provided, single submitter. Criteria: Ambry Variant Classification Scheme 2023. Collection method: clinical testing. Allele origin: germline.
Comment: The p.R510T variant (also known as c.1529G>C), located in coding exon 4 of the MSH6 gene, results from a G to C substitution at nucleotide position 1529. The arginine at codon 510 is replaced by threonine, an amino acid with similar properties. This amino acid position is conserved. In addition, this alteration is predicted to be deleterious by in silico analysis. Based on the available evidence, the clinical significance of this variant remains unclear.

Color Diagnostics, LLC DBA Color Health
Classification: Uncertain significance for Hereditary cancer-predisposing syndrome. Last evaluated: 2023-12-05. Review status: criteria provided, single submitter. Criteria: ACMG Guidelines, 2015. Collection method: clinical testing. Allele origin: germline.
Comment: This missense variant replaces arginine with threonine at codon 510 of the MSH6 protein. Computational prediction suggests that this variant may have deleterious impact on protein structure and function (internally defined REVEL score threshold >= 0.7, PMID: 27666373). To our knowledge, functional studies have not been reported for this variant. This variant has not been reported in individuals affected with MSH6-related disorders in the literature. This variant has not been identified in the general population by the Genome Aggregation Database (gnomAD). The available evidence is insufficient to determine the role of this variant in disease conclusively. Therefore, this variant is classified as a Variant of Uncertain Significance.

Labcorp Genetics (formerly Invitae), Labcorp
Classification: Uncertain significance for Hereditary nonpolyposis colorectal neoplasms. Last evaluated: 2021-02-01. Review status: criteria provided, single submitter. Criteria: Invitae Variant Classification Sherloc (09022015). Collection method: clinical testing. Allele origin: germline.
Comment: In summary, the available evidence is currently insufficient to determine the role of this variant in disease. Therefore, it has been classified as a Variant of Uncertain Significance. Advanced modeling of protein sequence and biophysical properties (such as structural, functional, and spatial information, amino acid conservation, physicochemical variation, residue mobility, and thermodynamic stability) performed at Invitae indicates that this missense variant is not expected to disrupt MSH6 protein function. This variant has not been reported in the literature in individuals with MSH6-related conditions. ClinVar contains an entry for this variant (Variation ID: 491875). This variant is not present in population databases (ExAC no frequency). This sequence change replaces arginine with threonine at codon 510 of the MSH6 protein (p.Arg510Thr). The arginine residue is moderately conserved and there is a moderate physicochemical difference between arginine and threonine.

NM_000179.3(MSH6):c.1529G>C (p.Arg510Thr)

Gene: MSH6 (mutS homolog 6; plus strand). Cytogenetic location: 2p16.3.
Variant type: single nucleotide variant.
Coding change: c.1529G>C on transcript NM_000179.3 (MANE Select); coding-DNA position 1529, G replaced by C.
Protein change: p.Arg510Thr; replaces arginine 510 with threonine.
Molecular consequence: missense variant.
Genome position (GRCh38, 1-based): chr2:47,799,512, G>C. VCF-style: chr2-47799512-G-C. GRCh37 (hg19) VCF-style: chr2-48026651-G-C.
Other names: c.1139G>C, p.Arg380Thr (NM_001281492.2); c.623G>C, p.Arg208Thr (NM_001281493.2, NM_001281494.2); short protein forms R510T, R380T, R208T.
Identifiers: ClinVar variation 491875 (VCV000491875.14), dbSNP rs864622572, ClinGen allele CA346746475.